The following is an entry in ClinVar:

ClinVar aggregate classification (germline): Pathogenic. Review status: criteria provided, multiple submitters, no conflicts (2 of 4 stars). 2 submissions from 2 submitters: Pathogenic (2). Last evaluated 2019-03-13.

Conditions:
Bethlem myopathy 1A. Also called: MYOPATHY, BENIGN CONGENITAL, WITH CONTRACTURES; Bethlem myopathy 1; Bethlem Muscular Dystrophy. Identifiers: Orphanet 610, MedGen CN029274, MONDO:0024530, OMIM 158810.

Submissions (2):

Labcorp Genetics (formerly Invitae), Labcorp
Classification: Pathogenic for Bethlem myopathy 1A. Last evaluated: 2019-03-13. Review status: criteria provided, single submitter. Criteria: Invitae Variant Classification Sherloc (09022015). Collection method: clinical testing. Allele origin: germline.
Comment: This variant is not present in population databases (ExAC no frequency). This sequence change creates a premature translational stop signal (p.Gly277Glufs*131) in the COL6A2 gene. It is expected to result in an absent or disrupted protein product. This variant has not been reported in the literature in individuals with COL6A2-related conditions. ClinVar contains an entry for this variant (Variation ID: 500904). For these reasons, this variant has been classified as Pathogenic. Loss-of-function variants in COL6A2 are known to be pathogenic (PMID: 19884007, 20976770).

Eurofins Ntd Llc (ga)
Classification: Pathogenic. Last evaluated: 2017-03-21. Review status: criteria provided, single submitter. Criteria: EGL Classification Definitions 2015. Collection method: clinical testing. Allele origin: germline. Observed: 1 variant allele, 1 heterozygote.

Literature cited by the submitters: PubMed 19884007 (cited by Labcorp Genetics (formerly Invitae), Labcorp); PubMed 20976770 (cited by Labcorp Genetics (formerly Invitae), Labcorp).

NM_001849.4(COL6A2):c.830del (p.Gly277fs)

Gene: COL6A2 (collagen type VI alpha 2 chain; plus strand). Cytogenetic location: 21q22.3.
Variant type: Deletion.
Coding change: c.830del on transcript NM_001849.4 (MANE Select); coding-DNA position 830, one base deleted (G; older notation c.830delG).
Protein change: p.Gly277fs; shifts the reading frame from glycine 277.
Molecular consequence: frameshift variant.
Genome position (GRCh38, 1-based): chr21:46,115,900, G deleted; the last of 3 consecutive G bases (chr21:46,115,898-46,115,900); deleting any one gives the same sequence. VCF-style (leftmost placement, unchanged base first): chr21-46115897-CG-C. GRCh37 (hg19) VCF-style: chr21-47535811-CG-C.
Other names: c.830del, p.Gly277fs (NM_058174.3, NM_058175.3); short protein forms G277fs.
Identifiers: ClinVar variation 500904 (VCV000500904.12), dbSNP rs1555872819, ClinGen allele CA658799473.